The following is an entry in ClinVar:

ClinVar aggregate classification (germline): Uncertain significance (1 of 4 stars; one submission).

Conditions:
Hereditary cancer-predisposing syndrome. Also called: Neoplastic Syndromes, Hereditary; Tumor predisposition; Hereditary Cancer Syndrome; Hereditary neoplastic syndrome. Identifiers: Orphanet 140162, MedGen C0027672, MeSH D009386, MONDO:0015356.

Submission:

Ambry Genetics
Classification: Uncertain significance for Hereditary cancer-predisposing syndrome. Last evaluated: 2021-05-14. Review status: criteria provided, single submitter. Criteria: Ambry Variant Classification Scheme 2023. Collection method: clinical testing. Allele origin: germline.
Comment: The p.F291L variant (also known as c.873T>G), located in coding exon 7 of the CHEK2 gene, results from a T to G substitution at nucleotide position 873. The phenylalanine at codon 291 is replaced by leucine, an amino acid with highly similar properties. This amino acid position is highly conserved in available vertebrate species. In addition, the in silico prediction for this alteration is inconclusive. Since supporting evidence is limited at this time, the clinical significance of this alteration remains unclear.

NM_007194.4(CHEK2):c.873T>G (p.Phe291Leu)

Gene: CHEK2 (checkpoint kinase 2; minus strand). Cytogenetic location: 22q12.1.
Variant type: single nucleotide variant.
Coding change: c.873T>G on transcript NM_007194.4 (MANE Select); coding-DNA position 873, T replaced by G.
Protein change: p.Phe291Leu; replaces phenylalanine 291 with leucine.
Molecular consequence: missense variant.
Genome position (GRCh38, 1-based): chr22:28,703,540, A>C on the plus strand (T>G on the coding strand, the complement: CHEK2 is on the minus strand). VCF-style: chr22-28703540-A-C. GRCh37 (hg19) VCF-style: chr22-29099528-A-C.
Other names: c.1002T>G, p.Phe334Leu (NM_001005735.3); c.210T>G, p.Phe70Leu (NM_001257387.3); c.672T>G, p.Phe224Leu (NM_001349956.3); c.873T>G, p.Phe291Leu (NM_145862.3); short protein forms F291L, F334L, F70L, F224L.
Identifiers: ClinVar variation 1764511 (VCV001764511.2), dbSNP rs2517886439, ClinGen allele CA411101178.
Genomic context (GRCh38, chr22:28,703,540, plus strand): 5'-AATTTTTAAAAAGTTTACTACTTACAATTCCAAAACAATATAATAATCTTCTGCATCAAA[A>C]AAGTTTTTAATCTTGATGATGCAAGGCTAAGAAGAGGGGGAGAAAAAAGGGAAAGTAGTG-3'
Protein context (NP_009125.1, residues 281-301): NHPCIIKIKN[Phe291Leu]FDAEDYYIVL